The following is an entry in ClinVar:

ClinVar aggregate classification (germline): Uncertain significance (1 of 4 stars; one submission).

Allele frequency attached by ClinVar (database versions not stated): gnomAD exomes below 0.00001; TOPMed below 0.00001; gnomAD 0.00001.
gnomAD v4.1: 6 of 1,572,868 alleles (0.00038%); highest among the groups gnomAD compares: Admixed American, 0.002%; no homozygotes.

Submission:

CeGaT Center for Human Genetics Tuebingen
Classification: Uncertain significance. Last evaluated: 2022-04-01. Review status: criteria provided, single submitter. Criteria: CeGaT Center For Human Genetics Tuebingen Variant Classification Criteria Version 2. Collection method: clinical testing. Allele origin: germline. Affected: yes. Observed: 1 variant allele.
Comment: SMCHD1: PM2, BP4

NM_015295.3(SMCHD1):c.508-5C>T

Gene: SMCHD1 (structural maintenance of chromosomes flexible hinge domain containing 1; plus strand). Cytogenetic location: 18p11.32.
Variant type: single nucleotide variant.
Coding change: c.508-5C>T on transcript NM_015295.3 (MANE Select); 5 bases into the intron before coding-DNA position 508, C replaced by T.
Molecular consequence: intron variant.
Genome position (GRCh38, 1-based): chr18:2,674,010, C>T. VCF-style: chr18-2674010-C-T. GRCh37 (hg19) VCF-style: chr18-2674009-C-T.
Identifiers: ClinVar variation 2648516 (VCV002648516.24), dbSNP rs1210368832, ClinGen allele CA777956687.